The following is an entry in ClinVar:

NM_000639.3(FASLG):c.659A>G (p.Gln220Arg)

Gene: FASLG (Fas ligand; plus strand). Cytogenetic location: 1q24.3.
Variant type: single nucleotide variant.
Coding change: c.659A>G on transcript NM_000639.3 (MANE Select); coding-DNA position 659, A replaced by G.
Protein change: p.Gln220Arg; replaces glutamine 220 with arginine.
Molecular consequence: missense variant. On other transcripts: 3 prime UTR variant (1).
Genome position (GRCh38, 1-based): chr1:172,665,829, A>G. VCF-style: chr1-172665829-A-G. GRCh37 (hg19) VCF-style: chr1-172634969-A-G.
Other names: c.*229A>G (NM_001302746.2); short protein forms Q220R.
Identifiers: ClinVar variation 837364 (VCV000837364.6), dbSNP rs1659249691, ClinGen allele CA343806340.

ClinVar aggregate classification (germline): Uncertain significance (1 of 4 stars; one submission).

Conditions:
Autoimmune lymphoproliferative syndrome type 1. Also called: AUTOIMMUNE LYMPHOPROLIFERATIVE SYNDROME, TYPE I, AUTOSOMAL DOMINANT. Identifiers: Orphanet 3261, MedGen C2717884, MONDO:0011158, OMIM 601859.

Submission:

Labcorp Genetics (formerly Invitae), Labcorp
Classification: Uncertain significance for Autoimmune lymphoproliferative syndrome. Last evaluated: 2022-03-04. Review status: criteria provided, single submitter. Criteria: Invitae Variant Classification Sherloc (09022015). Collection method: clinical testing. Allele origin: germline.
Comment: This sequence change replaces glutamine, which is neutral and polar, with arginine, which is basic and polar, at codon 220 of the FASLG protein (p.Gln220Arg). This variant is not present in population databases (gnomAD no frequency). This variant has not been reported in the literature in individuals affected with FASLG-related conditions. ClinVar contains an entry for this variant (Variation ID: 837364). Algorithms developed to predict the effect of missense changes on protein structure and function (SIFT, PolyPhen-2, Align-GVGD) all suggest that this variant is likely to be tolerated. In summary, the available evidence is currently insufficient to determine the role of this variant in disease. Therefore, it has been classified as a Variant of Uncertain Significance.